The following is an entry in ClinVar:

ClinVar aggregate classification (germline): Uncertain significance (1 of 4 stars; one submission).

Conditions:
Combined immunodeficiency due to DOCK8 deficiency (HIES2). Also called: HIES autosomal recessive; HYPER-IgE RECURRENT INFECTION SYNDROME 2, AUTOSOMAL RECESSIVE; DOCK8 Deficiency; HYPER-IgE SYNDROME 2, AUTOSOMAL RECESSIVE, WITH RECURRENT INFECTIONS; Hyper-IgE recurrent infection syndrome, autosomal recessive. Identifiers: Orphanet 217390, MedGen C4722305, MONDO:0009478, OMIM 243700.

Allele frequency attached by ClinVar (database versions not stated): gnomAD exomes below 0.00001; ExAC 0.00001.
gnomAD v4.1: 29 of 1,614,194 alleles (0.0018%); highest among the groups gnomAD compares: Non-Finnish European, 0.0025%; no homozygotes.

Submission:

Labcorp Genetics (formerly Invitae), Labcorp
Classification: Uncertain significance for Combined immunodeficiency due to DOCK8 deficiency. Last evaluated: 2021-10-17. Review status: criteria provided, single submitter. Criteria: Invitae Variant Classification Sherloc (09022015). Collection method: clinical testing. Allele origin: germline.
Comment: This sequence change replaces cysteine with tyrosine at codon 197 of the DOCK8 protein (p.Cys197Tyr). The cysteine residue is moderately conserved and there is a large physicochemical difference between cysteine and tyrosine. This variant is present in population databases (rs777075220, ExAC 0.002%). This variant has not been reported in the literature in individuals affected with DOCK8-related conditions. Algorithms developed to predict the effect of missense changes on protein structure and function output the following: SIFT: "Deleterious"; PolyPhen-2: "Benign"; Align-GVGD: "Class C0". The tyrosine amino acid residue is found in multiple mammalian species, which suggests that this missense change does not adversely affect protein function. In summary, the available evidence is currently insufficient to determine the role of this variant in disease. Therefore, it has been classified as a Variant of Uncertain Significance.

NM_203447.4(DOCK8):c.590G>A (p.Cys197Tyr)

Gene: DOCK8 (dedicator of cytokinesis 8; plus strand). Cytogenetic location: 9p24.3.
Variant type: single nucleotide variant.
Coding change: c.590G>A on transcript NM_203447.4 (MANE Select); coding-DNA position 590, G replaced by A.
Protein change: p.Cys197Tyr; replaces cysteine 197 with tyrosine.
Molecular consequence: missense variant.
Genome position (GRCh38, 1-based): chr9:312,015, G>A. VCF-style: chr9-312015-G-A. GRCh37 (hg19) VCF-style: chr9-312015-G-A.
Other names: c.386G>A, p.Cys129Tyr (NM_001190458.2, NM_001193536.2); short protein forms C129Y, C197Y.
Identifiers: ClinVar variation 1433843 (VCV001433843.3), dbSNP rs777075220, ClinGen allele CA4957328.